The following is an entry in ClinVar:

NM_015909.4(NBAS):c.4564G>A (p.Val1522Ile)

Gene: NBAS (NBAS subunit of NRZ tethering complex; minus strand). Cytogenetic location: 2p24.3.
Variant type: single nucleotide variant.
Coding change: c.4564G>A on transcript NM_015909.4 (MANE Select); coding-DNA position 4564, G replaced by A.
Protein change: p.Val1522Ile; replaces valine 1522 with isoleucine.
Molecular consequence: missense variant. On other transcripts: non-coding transcript variant (1).
Genome position (GRCh38, 1-based): chr2:15,327,768, C>T on the plus strand (G>A on the coding strand, the complement: NBAS is on the minus strand). VCF-style: chr2-15327768-C-T. GRCh37 (hg19) VCF-style: chr2-15467892-C-T.
Other names: c.4564G>A (NM_015909.2); short protein forms V1522I.
Identifiers: ClinVar variation 1306409 (VCV001306409.3), dbSNP rs1462187404, ClinGen allele CA345895435.

ClinVar aggregate classification (germline): Uncertain significance. Review status: criteria provided, multiple submitters, no conflicts (2 of 4 stars). 2 submissions from 2 submitters: Uncertain significance (2). Last evaluated 2025-10-07.

Conditions:
Inborn genetic diseases. Identifiers: MedGen C0950123, MeSH D030342.

Allele frequency attached by ClinVar (database versions not stated): gnomAD exomes below 0.00001.
gnomAD v4.1: 6 of 1,613,652 alleles (0.00037%); highest among the groups gnomAD compares: South Asian, 0.0066%; no homozygotes.

Submissions (2):

Ambry Genetics
Classification: Uncertain significance for Inborn genetic diseases. Last evaluated: 2025-10-07. Review status: criteria provided, single submitter. Criteria: Ambry Variant Classification Scheme 2023. Collection method: clinical testing. Allele origin: germline.

GeneDx
Classification: Uncertain significance. Last evaluated: 2020-06-16. Review status: criteria provided, single submitter. Criteria: GeneDx Variant Classification Process June 2021. Collection method: clinical testing. Allele origin: germline. Affected: yes.
Comment: In silico analysis, which includes protein predictors and evolutionary conservation, supports that this variant does not alter protein structure/function; Has not been previously published as pathogenic or benign to our knowledge